The following is an entry in ClinVar:

ClinVar aggregate classification (germline): Uncertain significance (1 of 4 stars; one submission).

Conditions:
Inborn genetic diseases. Identifiers: MedGen C0950123, MeSH D030342.

Submission:

Ambry Genetics
Classification: Uncertain significance for Inborn genetic diseases. Last evaluated: 2025-10-22. Review status: criteria provided, single submitter. Criteria: Ambry Variant Classification Scheme 2023. Collection method: clinical testing. Allele origin: germline.
Comment: The p.M164I variant (also known as c.492G>C), located in coding exon 2 of the PIK3CA gene, results from a G to C substitution at nucleotide position 492. The methionine at codon 164 is replaced by isoleucine, an amino acid with highly similar properties. This amino acid position is conserved. In addition, this alteration is predicted to be tolerated by in silico analysis. Based on the available evidence, the clinical significance of this variant remains unclear.

NM_006218.4(PIK3CA):c.492G>C (p.Met164Ile)

Gene: PIK3CA (phosphatidylinositol-4,5-bisphosphate 3-kinase catalytic subunit alpha; plus strand). Cytogenetic location: 3q26.32.
Variant type: single nucleotide variant.
Coding change: c.492G>C on transcript NM_006218.4 (MANE Select); coding-DNA position 492, G replaced by C.
Protein change: p.Met164Ile; replaces methionine 164 with isoleucine.
Molecular consequence: missense variant.
Genome position (GRCh38, 1-based): chr3:179,199,829, G>C. VCF-style: chr3-179199829-G-C. GRCh37 (hg19) VCF-style: chr3-178917617-G-C.
Other names: short protein forms M164I.
Identifiers: ClinVar variation 4627622 (VCV004627622.1).
Genomic context (GRCh38, chr3:179,199,829, plus strand): 5'-GAACGTTTGTAAAGAAGCTGTGGATCTTAGGGACCTCAATTCACCTCATAGTAGAGCAAT[G>C]TATGTCTATCCTCCAAATGTAGAATCTTCACCAGAATTGCCAAAGCACATATATAATAAA-3'
Protein context (NP_006209.2, residues 154-174): RDLNSPHSRA[Met164Ile]YVYPPNVESS